The following is an entry in ClinVar:

ClinVar aggregate classification (germline): Likely benign (1 of 4 stars; one submission).

Conditions:
Intellectual developmental disorder, X-linked 99. Also called: Intellectual disability, X-linked 99. Identifiers: Orphanet 777, MedGen C3806746, MONDO:0010487, OMIM 300919.

Submission:

Centre for Medical Genetics,  Mumbai
Classification: Likely benign for Intellectual developmental disorder, X-linked 99. Last evaluated: 2026-04-28. Review status: criteria provided, single submitter. Criteria: ACMG Guidelines, 2015. Collection method: provider interpretation. Allele origin: germline. Inheritance: X-linked recessive inheritance. Affected: no. Observed: 1 variant allele, 1 homozygote.
Comment: The variant satisfies PM2 criteria - extremely low frequency in gnomAD population databases. The variant satisfies PP2 criteria - missense variant in a gene with low rate of benign missense mutations and for which missense mutation is a common mechanism of a disease. However, the variant satisfies BS2 criteria - present in homozygous state in an individual that clinically does not have intellectual developmental disorder.

Literature cited by the submitters: PubMed 24607389.

NM_001039591.3(USP9X):c.185A>T (p.Asp62Val)

Gene: USP9X (ubiquitin specific peptidase 9 X-linked; plus strand). Cytogenetic location: Xp11.4.
Variant type: single nucleotide variant.
Coding change: c.185A>T on transcript NM_001039591.3 (MANE Select); coding-DNA position 185, A replaced by T.
Protein change: p.Asp62Val; replaces aspartic acid 62 with valine.
Molecular consequence: missense variant.
Genome position (GRCh38, 1-based): chrX:41,129,088, A>T. VCF-style: chrX-41129088-A-T. GRCh37 (hg19) VCF-style: chrX-40988341-A-T.
Other names: c.185A>T, p.Asp62Val (NM_001039590.3, NM_001410748.1, NM_001410749.1 and 1 more transcripts); short protein forms D62V.
Identifiers: ClinVar variation 4852277 (VCV004852277.1).
Genomic context (GRCh38, chrX:41,129,088, plus strand): 5'-ATTCCCCGGCAACTCCCCCAGATGAGCAAGGTCAAGGTGATGCCCCACCACAGCTTGAAG[A>T]TGAGGAACCTGCATTTCCACATACTGACTTGGCCAAGTTGGATGACATGATCAACAGGTG-3'
Protein context (NP_001034680.2, residues 52-72): GQGDAPPQLE[Asp62Val]EEPAFPHTDL